The following is an entry in ClinVar:

NM_001376.5(DYNC1H1):c.2081A>T (p.Asn694Ile)

Gene: DYNC1H1 (dynein cytoplasmic 1 heavy chain 1; plus strand). Cytogenetic location: 14q32.31.
Variant type: single nucleotide variant.
Coding change: c.2081A>T on transcript NM_001376.5 (MANE Select); coding-DNA position 2081, A replaced by T.
Protein change: p.Asn694Ile; replaces asparagine 694 with isoleucine.
Molecular consequence: missense variant.
Genome position (GRCh38, 1-based): chr14:101,986,306, A>T. VCF-style: chr14-101986306-A-T. GRCh37 (hg19) VCF-style: chr14-102452643-A-T.
Other names: short protein forms N694I.
Identifiers: ClinVar variation 1785566 (VCV001785566.2), dbSNP rs1595601037, ClinGen allele CA391020710.

ClinVar aggregate classification (germline): Uncertain significance (1 of 4 stars; one submission).

Conditions:
Inborn genetic diseases. Identifiers: MedGen C0950123, MeSH D030342.

Submission:

Ambry Genetics
Classification: Uncertain significance for Inborn genetic diseases. Last evaluated: 2017-06-14. Review status: criteria provided, single submitter. Criteria: Ambry Variant Classification Scheme 2023. Collection method: clinical testing. Allele origin: germline.
Comment: The p.N694I variant (also known as c.2081A>T), located in coding exon 8 of the DYNC1H1 gene, results from an A to T substitution at nucleotide position 2081. The asparagine at codon 694 is replaced by isoleucine, an amino acid with dissimilar properties. This amino acid position is highly conserved in available vertebrate species. In addition, the in silico prediction for this alteration is inconclusive. Since supporting evidence is limited at this time, the clinical significance of this alteration remains unclear.